The following is an entry in ClinVar:

ClinVar aggregate classification (germline): Pathogenic/Likely pathogenic. Review status: criteria provided, multiple submitters, no conflicts (2 of 4 stars). 6 submissions from 6 submitters: Pathogenic (1); Likely pathogenic (3). 2 of the submissions do not count toward it. Last evaluated 2025-05-21.

Conditions:
Finnish congenital nephrotic syndrome (NPHS1). Also called: NEPHROTIC SYNDROME, TYPE 1. Identifiers: Orphanet 839, MedGen C0403399, MONDO:0009732, OMIM 256300.

Allele frequency attached by ClinVar (database versions not stated): ExAC 0.00001; gnomAD exomes 0.00001.

Submissions (6):

Natera, Inc.
Classification: Likely pathogenic for Finnish congenital nephrotic syndrome. Last evaluated: 2025-05-21. Review status: criteria provided, single submitter. Criteria: Natera Variant Classification Schema (03/2026). Collection method: clinical testing. Allele origin: germline.
Comment: The c.808G>T variant in NPHS1 is a missense variant predicted to cause substitution of glycine to cysteine at amino acid 270. This variant is rare in the general population with a frequency below the threshold expected for the associated phenotype(s). This variant has been observed in one or more individuals affected with the associated recessive disease, as either homozygous or compound heterozygous with a second variant (PMID: 11854170). Functional studies show that this variant may disrupt protein function (PMID: 24303155, 15213260). Computational prediction algorithms indicate this variant is likely to affect gene or protein function. Given the available evidence, this variant is classified as Likely Pathogenic.

GeneDx
Classification: Pathogenic. Last evaluated: 2025-04-09. Review status: criteria provided, single submitter. Criteria: GeneDx Variant Classification Process June 2021. Collection method: clinical testing. Allele origin: germline. Affected: yes.
Comment: Published functional studies demonstrate a damaging effect resulting in protein misfolding and activation of the unfolded protein response (PMID: 24303155); Not observed at significant frequency in large population cohorts (gnomAD); In silico analysis supports that this missense variant has a deleterious effect on protein structure/function; This variant is associated with the following publications: (PMID: 11726550, 9915943, 24303155, 11854170)

Fulgent Genetics
Classification: Likely pathogenic for Finnish congenital nephrotic syndrome. Last evaluated: 2024-03-30. Review status: criteria provided, single submitter. Criteria: ACMG Guidelines, 2015. Collection method: clinical testing. Allele origin: germline.

Baylor Genetics
Classification: Likely pathogenic for Finnish congenital nephrotic syndrome. Last evaluated: 2023-10-16. Review status: criteria provided, single submitter. Criteria: ACMG Guidelines, 2015. Collection method: clinical testing. Allele origin: unknown.

Bioscientia Institut fuer Medizinische Diagnostik GmbH, Sonic Healthcare
Classification: Pathogenic for Finnish congenital nephrotic syndrome. Last evaluated: 2017-10-04. Review status: no assertion criteria provided. Collection method: clinical testing. Allele origin: germline. Affected: yes. Not counted in ClinVar's aggregate classification.

Juha Muilu Group; Institute for Molecular Medicine Finland (FIMM)
Classification: Likely pathogenic for Finnish congenital nephrotic syndrome. Review status: no assertion criteria provided. Collection method: not provided. Allele origin: unknown. Not counted in ClinVar's aggregate classification.
Comment: FinDis database variant: This variant was not found or characterized by our laboratory, data were collected from public sources: see reference
ClinVar note: Converted during submission from probable-pathogenic to Likely pathogenic.

Literature cited by the submitters: PubMed 11854170 (cited by Natera, Inc.); PubMed 24303155 (cited by Natera, Inc.); PubMed 15213260 (cited by Natera, Inc.).

NM_004646.4(NPHS1):c.808G>T (p.Gly270Cys)

Gene: NPHS1 (NPHS1 adhesion molecule, nephrin; minus strand). Cytogenetic location: 19q13.12.
Variant type: single nucleotide variant.
Coding change: c.808G>T on transcript NM_004646.4 (MANE Select); coding-DNA position 808, G replaced by T.
Protein change: p.Gly270Cys; replaces glycine 270 with cysteine.
Molecular consequence: missense variant.
Genome position (GRCh38, 1-based): chr19:35,849,268, C>A on the plus strand (G>T on the coding strand, the complement: NPHS1 is on the minus strand). VCF-style: chr19-35849268-C-A. GRCh37 (hg19) VCF-style: chr19-36340170-C-A.
Other names: short protein forms G270C.
Identifiers: ClinVar variation 56523 (VCV000056523.8), dbSNP rs386833961, ClinGen allele CA250275.